The following is an entry in ClinVar:

NM_001372.4(DNAH9):c.10440T>A (p.Tyr3480Ter)

Genes: DNAH9 (dynein axonemal heavy chain 9; plus strand), LOC101928350 (uncharacterized LOC101928350; minus strand). Cytogenetic location: 17p12.
Variant type: single nucleotide variant.
Coding change: c.10440T>A on transcript NM_001372.4 (MANE Select); coding-DNA position 10440, T replaced by A.
Protein change: p.Tyr3480Ter; replaces tyrosine 3480 with a stop codon.
Molecular consequence: nonsense.
Genome position (GRCh38, 1-based): chr17:11,875,146, T>A. VCF-style: chr17-11875146-T-A. GRCh37 (hg19) VCF-style: chr17-11778463-T-A.
Other names: short protein forms Y3480*.
Identifiers: ClinVar variation 1430657 (VCV001430657.6), dbSNP rs748678337, ClinGen allele CA8397509.

ClinVar aggregate classification (germline): Pathogenic (1 of 4 stars; one submission).

Allele frequency attached by ClinVar (database versions not stated): gnomAD exomes below 0.00001; ExAC 0.00001.
gnomAD v4.1: 18 of 1,614,096 alleles (0.0011%); highest among the groups gnomAD compares: Non-Finnish European, 0.0015%; no homozygotes.

Submission:

Labcorp Genetics (formerly Invitae), Labcorp
Classification: Pathogenic. Last evaluated: 2025-05-14. Review status: criteria provided, single submitter. Criteria: Invitae Variant Classification Sherloc (09022015). Collection method: clinical testing. Allele origin: germline.
Comment: This sequence change creates a premature translational stop signal (p.Tyr3480*) in the DNAH9 gene. It is expected to result in an absent or disrupted protein product. Loss-of-function variants in DNAH9 are known to be pathogenic (PMID: 30471718). This variant is present in population databases (rs748678337, gnomAD 0.0009%). This variant has not been reported in the literature in individuals affected with DNAH9-related conditions. ClinVar contains an entry for this variant (Variation ID: 1430657). Algorithms developed to predict the effect of sequence changes on RNA splicing suggest that this variant may create or strengthen a splice site. For these reasons, this variant has been classified as Pathogenic.

Literature cited by the submitters: PubMed 30471718.